The following is an entry in ClinVar:

ClinVar aggregate classification (germline): Uncertain significance. Review status: criteria provided, multiple submitters, no conflicts (2 of 4 stars). 3 submissions from 3 submitters: Uncertain significance (3). Last evaluated 2025-11-25.

Conditions:
Inborn genetic diseases. Identifiers: MedGen C0950123, MeSH D030342.
Lethal multiple pterygium syndrome (LMPS). Identifiers: Orphanet 33108, MedGen C1854678, MONDO:0009668, OMIM 253290.

Allele frequency attached by ClinVar (database versions not stated): gnomAD 0.00001; TOPMed 0.00002.
gnomAD v4.1: 7 of 1,613,952 alleles (0.00043%); highest among the groups gnomAD compares: Middle Eastern, 0.017%; no homozygotes.

Submissions (3):

Ambry Genetics
Classification: Uncertain significance for Inborn genetic diseases. Last evaluated: 2025-11-25. Review status: criteria provided, single submitter. Criteria: Ambry Variant Classification Scheme 2023. Collection method: clinical testing. Allele origin: germline.

Labcorp Genetics (formerly Invitae), Labcorp
Classification: Uncertain significance for Lethal multiple pterygium syndrome. Last evaluated: 2023-09-01. Review status: criteria provided, single submitter. Criteria: Invitae Variant Classification Sherloc (09022015). Collection method: clinical testing. Allele origin: germline.
Comment: In summary, the available evidence is currently insufficient to determine the role of this variant in disease. Therefore, it has been classified as a Variant of Uncertain Significance. Advanced modeling of protein sequence and biophysical properties (such as structural, functional, and spatial information, amino acid conservation, physicochemical variation, residue mobility, and thermodynamic stability) performed at Invitae indicates that this missense variant is not expected to disrupt CHRNA1 protein function. ClinVar contains an entry for this variant (Variation ID: 2440020). This variant has not been reported in the literature in individuals affected with CHRNA1-related conditions. This variant is present in population databases (no rsID available, gnomAD 0.002%). This sequence change replaces alanine, which is neutral and non-polar, with threonine, which is neutral and polar, at codon 121 of the CHRNA1 protein (p.Ala121Thr).

Revvity Omics, Revvity
Classification: Uncertain significance. Last evaluated: 2019-06-24. Review status: criteria provided, single submitter. Criteria: ACMG Guidelines, 2015. Collection method: clinical testing. Allele origin: germline.

NM_000079.4(CHRNA1):c.361G>A (p.Ala121Thr)

Gene: CHRNA1 (cholinergic receptor nicotinic alpha 1 subunit; minus strand). Cytogenetic location: 2q31.1.
Variant type: single nucleotide variant.
Coding change: c.361G>A on transcript NM_000079.4 (MANE Select); coding-DNA position 361, G replaced by A.
Protein change: p.Ala121Thr; replaces alanine 121 with threonine.
Molecular consequence: missense variant.
Genome position (GRCh38, 1-based): chr2:174,754,398, C>T on the plus strand (G>A on the coding strand, the complement: CHRNA1 is on the minus strand). VCF-style: chr2-174754398-C-T. GRCh37 (hg19) VCF-style: chr2-175619126-C-T.
Other names: c.436G>A, p.Ala146Thr (NM_001039523.3); short protein forms A121T, A146T.
Identifiers: ClinVar variation 2440020 (VCV002440020.9), dbSNP rs1419364118, ClinGen allele CA349341676.
Genomic context (GRCh38, chr2:174,754,398, plus strand): 5'-GAGGTGTCCACGTGATGTGGCCAGTGTACTGCAGGAGCACTTTGGTGAACTTGACAATAG[C>T]AAAGTCACCATCTGCACTACAATTGGGATAAAAGAGGAAAATGGCTCCAAGTGACAGATG-3'
Protein context (NP_000070.1, residues 111-131): VLYNNADGDF[Ala121Thr]IVKFTKVLLQ